The following is an entry in ClinVar:

ClinVar aggregate classification (germline): Conflicting classifications of pathogenicity. Review status: criteria provided, conflicting classifications (1 of 4 stars). 2 submissions from 2 submitters: Uncertain significance (1); Likely benign (1). Last evaluated 2025-09-11.

Conditions:
TSHZ1-related disorder. Also called: TSHZ1-related condition.

gnomAD v4.1: 169 of 1,613,884 alleles (0.01%); highest among the groups gnomAD compares: African/African-American, 0.13%; no homozygotes.

Submissions (2):

Ambry Genetics
Classification: Uncertain significance. Last evaluated: 2025-09-11. Review status: criteria provided, single submitter. Criteria: Ambry Variant Classification Scheme 2023. Collection method: clinical testing. Allele origin: germline.

PreventionGenetics, part of Exact Sciences
Classification: Likely benign for TSHZ1-related condition. Last evaluated: 2025-04-29. Review status: criteria provided, single submitter. Criteria: ACMG Guidelines, 2015. Collection method: clinical testing. Allele origin: germline.
Comment: This variant is classified as likely benign based on ACMG/AMP sequence variant interpretation guidelines (Richards et al. 2015 PMID: 25741868, with internal and published modifications).

NM_001308210.2(TSHZ1):c.1825G>A (p.Val609Met)

Gene: TSHZ1 (teashirt zinc finger homeobox 1; plus strand). Cytogenetic location: 18q22.3.
Variant type: single nucleotide variant.
Coding change: c.1825G>A on transcript NM_001308210.2 (MANE Select); coding-DNA position 1825, G replaced by A.
Protein change: p.Val609Met; replaces valine 609 with methionine.
Molecular consequence: missense variant.
Genome position (GRCh38, 1-based): chr18:75,287,232, G>A. VCF-style: chr18-75287232-G-A. GRCh37 (hg19) VCF-style: chr18-72999187-G-A.
Other names: c.1690G>A (NM_005786.5); c.1690G>A, p.Val564Met (NM_005786.6); short protein forms V609M, V564M.
Identifiers: ClinVar variation 4192334 (VCV004192334.2).
Genomic context (GRCh38, chr18:75,287,232, plus strand): 5'-GTGAAGCCACTGCCGGCGGCCGTGCAGAGCGTGCAGGTGCAGCCGTCCTATGCTGGCGGC[G>A]TGAAGTCGCTGTCTTCCGCCGAGCACAACGCCCTCCTGCACTCCCCAGGGAGCCTCACGC-3'
Protein context (NP_001295139.1, residues 599-619): VQVQPSYAGG[Val609Met]KSLSSAEHNA